The following is an entry in ClinVar:

ClinVar aggregate classification (germline): Pathogenic/Likely pathogenic. Review status: criteria provided, multiple submitters, no conflicts (2 of 4 stars). 3 submissions from 3 submitters: Pathogenic (1); Likely pathogenic (2). Last evaluated 2024-11-09.

Conditions:
Mucopolysaccharidosis, MPS-III-A (MPS3A). Also called: mucopolysaccharidosis type 3A; MPS IIIA (Sanfilippo Syndrome Type A); HEPARAN SULFATE SULFATASE DEFICIENCY; MUCOPOLYSACCHARIDOSIS, TYPE IIIA, ATTENUATED; Mucopolysaccharidosis type IIIA (Sanfilippo A); Mucopolysaccharidosis, type IIIA. Identifiers: Orphanet 581, Orphanet 79269, MedGen C0086647, MONDO:0009655, OMIM 252900.

Submissions (3):

Labcorp Genetics (formerly Invitae), Labcorp
Classification: Pathogenic for Mucopolysaccharidosis, MPS-III-A. Last evaluated: 2024-11-09. Review status: criteria provided, single submitter. Criteria: Invitae Variant Classification Sherloc (09022015). Collection method: clinical testing. Allele origin: germline.
Comment: This sequence change replaces glycine, which is neutral and non-polar, with arginine, which is basic and polar, at codon 90 of the SGSH protein (p.Gly90Arg). This variant is not present in population databases (gnomAD no frequency). This missense change has been observed in individual(s) with clinical features of SGSH-related conditions (PMID: 21204211, 21455105, 24875751). ClinVar contains an entry for this variant (Variation ID: 1066348). Invitae Evidence Modeling of protein sequence and biophysical properties (such as structural, functional, and spatial information, amino acid conservation, physicochemical variation, residue mobility, and thermodynamic stability) indicates that this missense variant is expected to disrupt SGSH protein function with a positive predictive value of 95%. For these reasons, this variant has been classified as Pathogenic.

Natera, Inc.
Classification: Likely pathogenic for Mucopolysaccharidosis type IIIA. Last evaluated: 2024-08-06. Review status: criteria provided, single submitter. Criteria: Natera Variant Classification Schema (03/2026). Collection method: clinical testing. Allele origin: germline.
Comment: The c.268G>C variant in SGSH is a missense variant predicted to cause substitution of glycine to arginine at amino acid 90. This variant is rare in the general population with a frequency below the threshold expected for the associated phenotype(s). Another variant at this same site results in an alteration predicted to cause a similar molecular effect has been observed in individual(s) with the associated phenotype. Computational prediction algorithms indicate this variant is likely to affect gene or protein function. Given the available evidence, this variant is classified as Likely Pathogenic.

Baylor Genetics
Classification: Likely pathogenic for Mucopolysaccharidosis, MPS-III-A. Last evaluated: 2024-03-03. Review status: criteria provided, single submitter. Criteria: ACMG Guidelines, 2015. Collection method: clinical testing. Allele origin: unknown.

Literature cited by the submitters: PubMed 21204211 (cited by Labcorp Genetics (formerly Invitae), Labcorp); PubMed 21455105 (cited by Labcorp Genetics (formerly Invitae), Labcorp); PubMed 24875751 (cited by Labcorp Genetics (formerly Invitae), Labcorp).

NM_000199.5(SGSH):c.268G>C (p.Gly90Arg)

Gene: SGSH (N-sulfoglucosamine sulfohydrolase; minus strand). Cytogenetic location: 17q25.3.
Variant type: single nucleotide variant.
Coding change: c.268G>C on transcript NM_000199.5 (MANE Select); coding-DNA position 268, G replaced by C.
Protein change: p.Gly90Arg; replaces glycine 90 with arginine.
Molecular consequence: missense variant.
Genome position (GRCh38, 1-based): chr17:80,215,120, C>G on the plus strand (G>C on the coding strand, the complement: SGSH is on the minus strand). VCF-style: chr17-80215120-C-G. GRCh37 (hg19) VCF-style: chr17-78188919-C-G.
Other names: c.268G>C, p.Gly90Arg (NM_001352921.3, NM_001352922.2); c.268G>C (NM_000199.4); short protein forms G90R.
Identifiers: ClinVar variation 1066348 (VCV001066348.11), dbSNP rs774010006, ClinGen allele CA401363938.